The following is an entry in ClinVar:

NM_001258392.3(CLPB):c.1743C>T (p.Asp581=)

Gene: CLPB (ClpB family mitochondrial disaggregase; minus strand). Cytogenetic location: 11q13.4.
Variant type: single nucleotide variant.
Coding change: c.1743C>T on transcript NM_001258392.3 (MANE Select); coding-DNA position 1743, C replaced by T.
Protein change: p.Asp581=; no amino-acid change (aspartic acid 581 retained).
Molecular consequence: synonymous variant.
Genome position (GRCh38, 1-based): chr11:72,294,064, G>A on the plus strand (C>T on the coding strand, the complement: CLPB is on the minus strand). VCF-style: chr11-72294064-G-A. GRCh37 (hg19) VCF-style: chr11-72005108-G-A.
Other names: c.1656C>T, p.Asp552= (NM_001258393.3); c.1698C>T, p.Asp566= (NM_001258394.3); c.1833C>T, p.Asp611= (NM_030813.6).
Identifiers: ClinVar variation 755524 (VCV000755524.13), dbSNP rs147296630, ClinGen allele CA6171052.

ClinVar aggregate classification (germline): Likely benign. Review status: criteria provided, multiple submitters, no conflicts (2 of 4 stars). 3 submissions from 3 submitters: Likely benign (3). Last evaluated 2026-06-17.

Conditions:
3-methylglutaconic aciduria, type VIIB (MGCA7B). Also called: 3-methylglutaconic aciduria with cataracts, neurologic involvement and neutropenia; CLPB Deficiency; 3-methylglutaconic aciduria, type VII, with cataracts, neurologic involvement and neutropenia. Identifiers: Orphanet 445038, MedGen C5676893, MONDO:0014561, OMIM 616271.
CLPB-related disorder. Also called: CLPB-related condition.

Allele frequency attached by ClinVar (database versions not stated): gnomAD 0.00006 and 0.00007; TOPMed 0.00006; ESP Exome Variant Server 0.00008; gnomAD exomes 0.00008 and 0.00012; ExAC 0.00013.
gnomAD v4.1: 126 of 1,614,014 alleles (0.0078%); highest among the groups gnomAD compares: South Asian, 0.044%; no homozygotes.

Submissions (3):

PreventionGenetics, part of Exact Sciences
Classification: Likely benign for CLPB-related condition. Last evaluated: 2026-06-17. Review status: criteria provided, single submitter. Criteria: ACMG Guidelines, 2015. Collection method: clinical testing. Allele origin: germline.
Comment: This variant is classified as likely benign based on ACMG/AMP sequence variant interpretation guidelines (Richards et al. 2015 PMID: 25741868, with internal and published modifications).

Labcorp Genetics (formerly Invitae), Labcorp
Classification: Likely benign for 3-methylglutaconic aciduria, type VIIB. Last evaluated: 2025-12-07. Review status: criteria provided, single submitter. Criteria: Invitae Variant Classification Sherloc (09022015). Collection method: clinical testing. Allele origin: germline.

Blueprint Genetics
Classification: Likely benign. Last evaluated: 2024-11-22. Review status: criteria provided, single submitter. Criteria: ACMG Guidelines, 2015. Collection method: clinical testing. Allele origin: germline.